The following is an entry in ClinVar:

ClinVar aggregate classification (germline): Uncertain significance. Review status: criteria provided, single submitter (1 of 4 stars). 2 submissions from 2 submitters: Uncertain significance (1). 1 of the submissions does not count toward it. Last evaluated 2022-07-01.

Conditions:
PTPRT-related disorder. Also called: PTPRT-related condition.

Allele frequency attached by ClinVar (database versions not stated): 1000 Genomes Project 0.00040; 1000 Genomes Project 30x 0.00047; ExAC 0.00085; ESP Exome Variant Server 0.00094; gnomAD 0.00115; TOPMed 0.00128; gnomAD exomes 0.00168.
gnomAD v4.1: 2,625 of 1,614,252 alleles (0.16%); highest among the groups gnomAD compares: Non-Finnish European, 0.2%; 8 homozygotes.

Submissions (2):

CeGaT Center for Human Genetics Tuebingen
Classification: Uncertain significance. Last evaluated: 2022-07-01. Review status: criteria provided, single submitter. Criteria: CeGaT Center For Human Genetics Tuebingen Variant Classification Criteria Version 2. Collection method: clinical testing. Allele origin: germline. Affected: yes. Observed: 1 variant allele.
Comment: PTPRT: PP2

PreventionGenetics, part of Exact Sciences
Classification: Likely benign for PTPRT-related condition. Last evaluated: 2023-04-09. Review status: no assertion criteria provided. Collection method: clinical testing. Allele origin: germline. Not counted in ClinVar's aggregate classification.
Comment: This variant is classified as likely benign based on ACMG/AMP sequence variant interpretation guidelines (Richards et al. 2015 PMID: 25741868, with internal and published modifications).

NM_007050.6(PTPRT):c.1306G>A (p.Glu436Lys)

Gene: PTPRT (protein tyrosine phosphatase receptor type T; minus strand). Cytogenetic location: 20q12.
Variant type: single nucleotide variant.
Coding change: c.1306G>A on transcript NM_007050.6 (MANE Select); coding-DNA position 1306, G replaced by A.
Protein change: p.Glu436Lys; replaces glutamic acid 436 with lysine.
Molecular consequence: missense variant.
Genome position (GRCh38, 1-based): chr20:42,472,410, C>T on the plus strand (G>A on the coding strand, the complement: PTPRT is on the minus strand). VCF-style: chr20-42472410-C-T. GRCh37 (hg19) VCF-style: chr20-41101050-C-T.
Other names: c.1306G>A, p.Glu436Lys (NM_001394024.1, NM_001394025.1, NM_001394026.1 and 1 more transcripts); c.1306G>A (NM_133170.3); short protein forms E436K.
Identifiers: ClinVar variation 2652343 (VCV002652343.25), dbSNP rs192944843, ClinGen allele CA9864607.